The following is an entry in ClinVar:

ClinVar aggregate classification (germline): Uncertain significance (1 of 4 stars; one submission).

gnomAD v4.1: 7 of 1,612,592 alleles (0.00043%); highest among the groups gnomAD compares: Non-Finnish European, 0.00059%; no homozygotes.

Submission:

Labcorp Genetics (formerly Invitae), Labcorp
Classification: Uncertain significance. Last evaluated: 2022-09-27. Review status: criteria provided, single submitter. Criteria: Invitae Variant Classification Sherloc (09022015). Collection method: clinical testing. Allele origin: germline.
Comment: This variant is present in population databases (no rsID available, gnomAD 0.0009%). This variant has not been reported in the literature in individuals affected with PRPF8-related conditions. Algorithms developed to predict the effect of missense changes on protein structure and function (SIFT, PolyPhen-2, Align-GVGD) all suggest that this variant is likely to be tolerated. In summary, the available evidence is currently insufficient to determine the role of this variant in disease. Therefore, it has been classified as a Variant of Uncertain Significance. This sequence change replaces asparagine, which is neutral and polar, with lysine, which is basic and polar, at codon 12 of the PRPF8 protein (p.Asn12Lys).

NM_006445.4(PRPF8):c.36C>G (p.Asn12Lys)

Gene: PRPF8 (pre-mRNA processing factor 8; minus strand). Cytogenetic location: 17p13.3.
Variant type: single nucleotide variant.
Coding change: c.36C>G on transcript NM_006445.4 (MANE Select); coding-DNA position 36, C replaced by G.
Protein change: p.Asn12Lys; replaces asparagine 12 with lysine.
Molecular consequence: missense variant.
Genome position (GRCh38, 1-based): chr17:1,684,536, G>C on the plus strand (C>G on the coding strand, the complement: PRPF8 is on the minus strand). VCF-style: chr17-1684536-G-C. GRCh37 (hg19) VCF-style: chr17-1587830-G-C.
Other names: short protein forms N12K.
Identifiers: ClinVar variation 1946952 (VCV001946952.5), dbSNP rs1483065937, ClinGen allele CA397572482.